The following is an entry in ClinVar:

ClinVar aggregate classification (germline): Likely benign (0 of 4 stars; one submission).

Conditions:
CDH4-related disorder. Also called: CDH4-related condition.

Allele frequency attached by ClinVar (database versions not stated): gnomAD 0.00001; ExAC 0.00003.
gnomAD v4.1: 22 of 1,605,680 alleles (0.0014%); highest among the groups gnomAD compares: South Asian, 0.0078%; no homozygotes.

Submission:

PreventionGenetics, part of Exact Sciences
Classification: Likely benign for CDH4-related condition. Last evaluated: 2019-09-05. Review status: no assertion criteria provided. Collection method: clinical testing. Allele origin: germline.
Comment: This variant is classified as likely benign based on ACMG/AMP sequence variant interpretation guidelines (Richards et al. 2015 PMID: 25741868, with internal and published modifications).

NM_001794.5(CDH4):c.285C>T (p.Ser95=)

Genes: CDH4 (cadherin 4; plus strand), CDH4-AS1 (CDH4 antisense RNA 1; minus strand). Cytogenetic location: 20q13.33.
Variant type: single nucleotide variant.
Coding change: c.285C>T on transcript NM_001794.5 (MANE Select); coding-DNA position 285, C replaced by T.
Protein change: p.Ser95=; no amino-acid change (serine 95 retained).
Molecular consequence: synonymous variant.
Genome position (GRCh38, 1-based): chr20:61,743,678, C>T. VCF-style: chr20-61743678-C-T. GRCh37 (hg19) VCF-style: chr20-60318734-C-T.
Other names: c.174C>T, p.Ser58= (NM_001252338.2); c.63C>T, p.Ser21= (NM_001252339.3).
Identifiers: ClinVar variation 3052681 (VCV003052681.2), dbSNP rs767592477, ClinGen allele CA9934312.